The following is an entry in ClinVar:

ClinVar aggregate classification (germline): Uncertain significance (1 of 4 stars; one submission).

gnomAD v4.1: 1 of 1,614,058 alleles (0.000062%); highest among the groups gnomAD compares: Non-Finnish European, 0.000085%; no homozygotes.

Submission:

Labcorp Genetics (formerly Invitae), Labcorp
Classification: Uncertain significance. Last evaluated: 2023-09-21. Review status: criteria provided, single submitter. Criteria: Invitae Variant Classification Sherloc (09022015). Collection method: clinical testing. Allele origin: germline.
Comment: In summary, the available evidence is currently insufficient to determine the role of this variant in disease. Therefore, it has been classified as a Variant of Uncertain Significance. Advanced modeling of protein sequence and biophysical properties (such as structural, functional, and spatial information, amino acid conservation, physicochemical variation, residue mobility, and thermodynamic stability) performed at Invitae indicates that this missense variant is not expected to disrupt SZT2 protein function. This variant has not been reported in the literature in individuals affected with SZT2-related conditions. This variant is not present in population databases (gnomAD no frequency). This sequence change replaces alanine, which is neutral and non-polar, with threonine, which is neutral and polar, at codon 1832 of the SZT2 protein (p.Ala1832Thr).

NM_001365999.1(SZT2):c.5665G>A (p.Ala1889Thr)

Gene: SZT2 (SZT2 subunit of KICSTOR complex; plus strand). Cytogenetic location: 1p34.2.
Variant type: single nucleotide variant.
Coding change: c.5665G>A on transcript NM_001365999.1 (MANE Select); coding-DNA position 5665, G replaced by A.
Protein change: p.Ala1889Thr; replaces alanine 1889 with threonine.
Molecular consequence: missense variant.
Genome position (GRCh38, 1-based): chr1:43,433,051, G>A. VCF-style: chr1-43433051-G-A. GRCh37 (hg19) VCF-style: chr1-43898722-G-A.
Other names: c.5494G>A, p.Ala1832Thr (NM_015284.4); short protein forms A1832T, A1889T.
Identifiers: ClinVar variation 2745716 (VCV002745716.3), dbSNP rs370230435, ClinGen allele CA340026082.